The following is an entry in ClinVar:

NM_032193.4(RNASEH2C):c.439G>A (p.Ala147Thr)

Gene: RNASEH2C (ribonuclease H2 subunit C; minus strand). Cytogenetic location: 11q13.1.
Variant type: single nucleotide variant.
Coding change: c.439G>A on transcript NM_032193.4 (MANE Select); coding-DNA position 439, G replaced by A.
Protein change: p.Ala147Thr; replaces alanine 147 with threonine.
Molecular consequence: missense variant.
Genome position (GRCh38, 1-based): chr11:65,720,074, C>T on the plus strand (G>A on the coding strand, the complement: RNASEH2C is on the minus strand). VCF-style: chr11-65720074-C-T. GRCh37 (hg19) VCF-style: chr11-65487545-C-T.
Other names: short protein forms A147T.
Identifiers: ClinVar variation 1360875 (VCV001360875.5), dbSNP rs1388954201, ClinGen allele CA381297459.

ClinVar aggregate classification (germline): Uncertain significance (1 of 4 stars; one submission).

Conditions:
Aicardi-Goutieres syndrome 3. Identifiers: Orphanet 51, MedGen C1835916, MONDO:0012471, OMIM 610329.

Allele frequency attached by ClinVar (database versions not stated): gnomAD exomes below 0.00001.
gnomAD v4.1: 1 of 1,614,028 alleles (0.000062%); highest among the groups gnomAD compares: South Asian, 0.0011%; no homozygotes.

Submission:

Labcorp Genetics (formerly Invitae), Labcorp
Classification: Uncertain significance for Aicardi-Goutieres syndrome 3. Last evaluated: 2021-08-26. Review status: criteria provided, single submitter. Criteria: Invitae Variant Classification Sherloc (09022015). Collection method: clinical testing. Allele origin: germline.
Comment: This sequence change replaces alanine with threonine at codon 147 of the RNASEH2C protein (p.Ala147Thr). The alanine residue is highly conserved and there is a small physicochemical difference between alanine and threonine. This variant is not present in population databases (ExAC no frequency). This variant has not been reported in the literature in individuals affected with RNASEH2C-related conditions. Algorithms developed to predict the effect of missense changes on protein structure and function are either unavailable or do not agree on the potential impact of this missense change (SIFT: "Deleterious"; PolyPhen-2: "Probably Damaging"; Align-GVGD: "Class C0"). In summary, the available evidence is currently insufficient to determine the role of this variant in disease. Therefore, it has been classified as a Variant of Uncertain Significance.